The following is an entry in ClinVar:

ClinVar aggregate classification (germline): Uncertain significance. Review status: criteria provided, multiple submitters, no conflicts (2 of 4 stars). 2 submissions from 2 submitters: Uncertain significance (2). Last evaluated 2026-04-28.

Conditions:
Hereditary cancer-predisposing syndrome. Also called: Tumor predisposition; Neoplastic Syndromes, Hereditary; Hereditary Cancer Syndrome; Hereditary neoplastic syndrome. Identifiers: Orphanet 140162, MedGen C0027672, MeSH D009386, MONDO:0015356.

Allele frequency attached by ClinVar (database versions not stated): gnomAD exomes below 0.00001; ExAC 0.00001.
gnomAD v4.1: 6 of 1,614,194 alleles (0.00037%); highest among the groups gnomAD compares: South Asian, 0.0055%; no homozygotes.

Submissions (2):

Ambry Genetics
Classification: Uncertain significance for Hereditary cancer-predisposing syndrome. Last evaluated: 2026-04-28. Review status: criteria provided, single submitter. Criteria: Ambry Variant Classification Scheme 2023. Collection method: clinical testing. Allele origin: germline.
Comment: The p.P1226S variant (also known as c.3676C>T), located in coding exon 30 of the POLE gene, results from a C to T substitution at nucleotide position 3676. The proline at codon 1226 is replaced by serine, an amino acid with similar properties. This amino acid position is conserved. In addition, this alteration is predicted to be tolerated by in silico analysis. Based on the available evidence, the clinical significance of this variant remains unclear.

Labcorp Genetics (formerly Invitae), Labcorp
Classification: Uncertain significance. Last evaluated: 2023-03-26. Review status: criteria provided, single submitter. Criteria: Invitae Variant Classification Sherloc (09022015). Collection method: clinical testing. Allele origin: germline.
Comment: This sequence change replaces proline, which is neutral and non-polar, with serine, which is neutral and polar, at codon 1226 of the POLE protein (p.Pro1226Ser). This variant is present in population databases (rs773990429, gnomAD 0.003%). This variant has not been reported in the literature in individuals affected with POLE-related conditions. ClinVar contains an entry for this variant (Variation ID: 1416492). Advanced modeling of protein sequence and biophysical properties (such as structural, functional, and spatial information, amino acid conservation, physicochemical variation, residue mobility, and thermodynamic stability) performed at Invitae indicates that this missense variant is not expected to disrupt POLE protein function. In summary, the available evidence is currently insufficient to determine the role of this variant in disease. Therefore, it has been classified as a Variant of Uncertain Significance.

NM_006231.4(POLE):c.3676C>T (p.Pro1226Ser)

Gene: POLE (DNA polymerase epsilon, catalytic subunit; minus strand). Cytogenetic location: 12q24.33.
Variant type: single nucleotide variant.
Coding change: c.3676C>T on transcript NM_006231.4 (MANE Select); coding-DNA position 3676, C replaced by T.
Protein change: p.Pro1226Ser; replaces proline 1226 with serine.
Molecular consequence: missense variant.
Genome position (GRCh38, 1-based): chr12:132,649,796, G>A on the plus strand (C>T on the coding strand, the complement: POLE is on the minus strand). VCF-style: chr12-132649796-G-A. GRCh37 (hg19) VCF-style: chr12-133226382-G-A.
Other names: c.3676C>T (NM_006231.2); short protein forms P1226S.
Identifiers: ClinVar variation 1416492 (VCV001416492.9), dbSNP rs773990429, ClinGen allele CA6893142.